The following is an entry in ClinVar:

NM_004259.7(RECQL5):c.141C>T (p.Asp47=)

Gene: RECQL5 (RecQ like helicase 5; minus strand). Cytogenetic location: 17q25.1.
Variant type: single nucleotide variant.
Coding change: c.141C>T on transcript NM_004259.7 (MANE Select); coding-DNA position 141, C replaced by T.
Protein change: p.Asp47=; no amino-acid change (aspartic acid 47 retained).
Molecular consequence: synonymous variant.
Genome position (GRCh38, 1-based): chr17:75,665,162, G>A on the plus strand (C>T on the coding strand, the complement: RECQL5 is on the minus strand). VCF-style: chr17-75665162-G-A. GRCh37 (hg19) VCF-style: chr17-73661242-G-A.
Other names: c.141C>T, p.Asp47= (NM_001003715.4, NM_001003716.4).
Identifiers: ClinVar variation 3351937 (VCV003351937.1).

ClinVar aggregate classification (germline): Likely benign (0 of 4 stars; one submission).

Conditions:
RECQL5-related disorder. Also called: RECQL5-related condition.

gnomAD v4.1: 35 of 1,608,376 alleles (0.0022%); highest among the groups gnomAD compares: African/African-American, 0.023%; no homozygotes.

Submission:

PreventionGenetics, part of Exact Sciences
Classification: Likely benign for RECQL5-related condition. Last evaluated: 2024-08-07. Review status: no assertion criteria provided. Collection method: clinical testing. Allele origin: germline.
Comment: This variant is classified as likely benign based on ACMG/AMP sequence variant interpretation guidelines (Richards et al. 2015 PMID: 25741868, with internal and published modifications).